The following is an entry in ClinVar:

ClinVar aggregate classification (germline): Pathogenic/Likely pathogenic. Review status: criteria provided, multiple submitters, no conflicts (2 of 4 stars). 2 submissions from 2 submitters: Pathogenic (1); Likely pathogenic (1). Last evaluated 2024-08-12.

Conditions:
Joubert syndrome 5 (JBTS5). Identifiers: Orphanet 2318, MedGen C1857780, MONDO:0012432, OMIM 610188.
Bardet-Biedl syndrome 14 (BBS14). Identifiers: Orphanet 110, MedGen C2673874, MONDO:0014442, OMIM 615991.
Leber congenital amaurosis 10 (LCA10). Identifiers: Orphanet 65, MedGen C1857821, MONDO:0012723, OMIM 611755.
Meckel syndrome, type 4 (MKS4). Also called: MECKEL-GRUBER SYNDROME, TYPE 4. Identifiers: Orphanet 564, MedGen C1970161, MONDO:0012626, OMIM 611134.
Senior-Loken syndrome 6 (SLSN6). Identifiers: Orphanet 3156, MedGen C1857779, MONDO:0012433, OMIM 610189.
Meckel-Gruber syndrome. Also called: Dysencephalia splachnocystica; DYSENCEPHALIA SPLANCHNOCYSTICA; GRUBER SYNDROME. Identifiers: Orphanet 564, MedGen C0265215, MONDO:0018921.
Nephronophthisis. Also called: Juvenile Nephronophthisis. Identifiers: Orphanet 655, MedGen C0687120, MONDO:0019005, HP:0000090.
Joubert syndrome. Also called: Familial aplasia of the vermis; CEREBELLOPARENCHYMAL DISORDER IV; JOUBERT-BOLTSHAUSER SYNDROME. Identifiers: Orphanet 475, MedGen C5979921, MONDO:0018772.

Allele frequency attached by ClinVar (database versions not stated): gnomAD exomes below 0.00001; TOPMed below 0.00001; gnomAD 0.00001.
gnomAD v4.1: 5 of 1,583,664 alleles (0.00032%); highest among the groups gnomAD compares: South Asian, 0.0012%; no homozygotes.

Submissions (2):

Labcorp Genetics (formerly Invitae), Labcorp
Classification: Pathogenic for Joubert syndrome; Meckel-Gruber syndrome; Nephronophthisis. Last evaluated: 2024-08-12. Review status: criteria provided, single submitter. Criteria: Invitae Variant Classification Sherloc (09022015). Collection method: clinical testing. Allele origin: germline.
Comment: This sequence change falls in intron 27 of the CEP290 gene. It does not directly change the encoded amino acid sequence of the CEP290 protein. This variant is not present in population databases (gnomAD no frequency). This variant has been observed in individual(s) with clinical features of CEP290 related disease (Invitae). In at least one individual the data is consistent with being in trans (on the opposite chromosome) from a pathogenic variant. It has also been observed to segregate with disease in related individuals. ClinVar contains an entry for this variant (Variation ID: 665874). Algorithms developed to predict the effect of sequence changes on RNA splicing suggest that this variant may disrupt the consensus splice site. For these reasons, this variant has been classified as Pathogenic.

Fulgent Genetics
Classification: Likely pathogenic for Joubert syndrome 5; Senior-Loken syndrome 6; Meckel syndrome, type 4; Leber congenital amaurosis 10; Bardet-Biedl syndrome 14. Last evaluated: 2024-06-04. Review status: criteria provided, single submitter. Criteria: ACMG Guidelines, 2015. Collection method: clinical testing. Allele origin: germline.

NM_025114.4(CEP290):c.3104-5T>G

Gene: CEP290 (centrosomal protein 290; minus strand). Cytogenetic location: 12q21.32.
Variant type: single nucleotide variant.
Coding change: c.3104-5T>G on transcript NM_025114.4 (MANE Select); 5 bases into the intron before coding-DNA position 3104, T replaced by G.
Molecular consequence: intron variant.
Genome position (GRCh38, 1-based): chr12:88,093,980, A>C on the plus strand (T>G on the coding strand, the complement: CEP290 is on the minus strand). VCF-style: chr12-88093980-A-C. GRCh37 (hg19) VCF-style: chr12-88487757-A-C.
Identifiers: ClinVar variation 665874 (VCV000665874.5), dbSNP rs1302558061, ClinGen allele CA693075676.